The following is an entry in ClinVar:

NM_001292034.3(TAB2):c.104A>G (p.Asn35Ser)

Gene: TAB2 (TGF-beta activated kinase 1 (MAP3K7) binding protein 2; plus strand). Cytogenetic location: 6q25.1.
Variant type: single nucleotide variant.
Coding change: c.104A>G on transcript NM_001292034.3 (MANE Select); coding-DNA position 104, A replaced by G.
Protein change: p.Asn35Ser; replaces asparagine 35 with serine.
Molecular consequence: missense variant.
Genome position (GRCh38, 1-based): chr6:149,378,019, A>G. VCF-style: chr6-149378019-A-G. GRCh37 (hg19) VCF-style: chr6-149699155-A-G.
Other names: c.8A>G, p.Asn3Ser (NM_001292035.3); c.104A>G, p.Asn35Ser (NM_001369506.1, NM_015093.6); short protein forms N35S, N3S.
Identifiers: ClinVar variation 2446063 (VCV002446063.1), dbSNP rs919656482, ClinGen allele CA149915525.

ClinVar aggregate classification (germline): Uncertain significance (1 of 4 stars; one submission).

Submission:

GeneDx
Classification: Uncertain significance. Last evaluated: 2022-09-22. Review status: criteria provided, single submitter. Criteria: GeneDx Variant Classification Process June 2021. Collection method: clinical testing. Allele origin: germline. Affected: yes.
Comment: Not observed at significant frequency in large population cohorts (gnomAD); In silico analysis supports that this missense variant has a deleterious effect on protein structure/function; Has not been previously published as pathogenic or benign to our knowledge